The following is an entry in ClinVar:

NM_024786.3(ZDHHC11):c.1147-5C>G

Gene: ZDHHC11 (zDHHC palmitoyltransferase 11; minus strand). Cytogenetic location: 5p15.33.
Variant type: single nucleotide variant.
Coding change: c.1147-5C>G on transcript NM_024786.3 (MANE Select); 5 bases into the intron before coding-DNA position 1147, C replaced by G.
Molecular consequence: intron variant.
Genome position (GRCh38, 1-based): chr5:814,800, G>C on the plus strand (C>G on the coding strand, the complement: ZDHHC11 is on the minus strand). VCF-style: chr5-814800-G-C. GRCh37 (hg19) VCF-style: chr5-814915-G-C.
Other names: c.1312-5C>G (NM_001393492.1).
Identifiers: ClinVar variation 2655256 (VCV002655256.24), dbSNP rs191757590, ClinGen allele CA3178179.

ClinVar aggregate classification (germline): Likely benign (1 of 4 stars; one submission).

Allele frequency attached by ClinVar (database versions not stated): 1000 Genomes Project 0.00100; ESP Exome Variant Server 0.00100; 1000 Genomes Project 30x 0.00109.
gnomAD v4.1: 1,109 of 1,538,974 alleles (0.072%); highest among the groups gnomAD compares: Middle Eastern, 1.9%; 34 homozygotes.

Submission:

CeGaT Center for Human Genetics Tuebingen
Classification: Likely benign. Last evaluated: 2022-12-01. Review status: criteria provided, single submitter. Criteria: CeGaT Center For Human Genetics Tuebingen Variant Classification Criteria Version 2. Collection method: clinical testing. Allele origin: germline. Affected: yes. Observed: 1 variant allele.
Comment: ZDHHC11: BP4, BS2